The following is an entry in ClinVar:

NM_001844.5(COL2A1):c.4254del (p.Asp1418fs)

Gene: COL2A1 (collagen type II alpha 1 chain; minus strand). Cytogenetic location: 12q13.11.
Variant type: Deletion.
Coding change: c.4254del on transcript NM_001844.5 (MANE Select); coding-DNA position 4254, one base deleted (C; older notation c.4254delC).
Protein change: p.Asp1418fs; shifts the reading frame from aspartic acid 1418.
Molecular consequence: frameshift variant.
Genome position (GRCh38, 1-based): chr12:47,974,152, G deleted on the plus strand (C on the coding strand, the reverse complement: COL2A1 is on the minus strand). VCF-style (leftmost placement, unchanged base first): chr12-47974151-CG-C. GRCh37 (hg19) VCF-style: chr12-48367934-CG-C.
Other names: c.4047del, p.Asp1349fs (NM_033150.3); short protein forms D1349fs, D1418fs.
Identifiers: ClinVar variation 2752068 (VCV002752068.3), dbSNP rs2540094531, ClinGen allele CA2697559170.

ClinVar aggregate classification (germline): Pathogenic (1 of 4 stars; one submission).

Submission:

Labcorp Genetics (formerly Invitae), Labcorp
Classification: Pathogenic. Last evaluated: 2023-05-30. Review status: criteria provided, single submitter. Criteria: Invitae Variant Classification Sherloc (09022015). Collection method: clinical testing. Allele origin: germline.
Comment: For these reasons, this variant has been classified as Pathogenic. This variant disrupts a region of the COL2A1 protein in which other variant(s) (p.Lys1444Asnfs*27) have been determined to be pathogenic (PMID: 23545312). This suggests that this is a clinically significant region of the protein, and that variants that disrupt it are likely to be disease-causing. This variant has not been reported in the literature in individuals affected with COL2A1-related conditions. This variant is not present in population databases (gnomAD no frequency). This sequence change creates a premature translational stop signal (p.Asp1418Glufs*17) in the COL2A1 gene. While this is not anticipated to result in nonsense mediated decay, it is expected to disrupt the last 70 amino acid(s) of the COL2A1 protein.

Literature cited by the submitters: PubMed 23545312.